The following is an entry in ClinVar:

ClinVar aggregate classification (germline): Pathogenic (1 of 4 stars; one submission).

Conditions:
Duchenne muscular dystrophy (DMD). Also called: Duchenne Muscular Dystrophy (DMD); MUSCULAR DYSTROPHY, PSEUDOHYPERTROPHIC PROGRESSIVE, DUCHENNE TYPE. Identifiers: Orphanet 98896, MedGen C0013264, MONDO:0010679, OMIM 310200.

Submission:

Labcorp Genetics (formerly Invitae), Labcorp
Classification: Pathogenic for Duchenne muscular dystrophy. Last evaluated: 2022-03-16. Review status: criteria provided, single submitter. Criteria: Invitae Variant Classification Sherloc (09022015). Collection method: clinical testing. Allele origin: germline.
Comment: For these reasons, this variant has been classified as Pathogenic. The region of the DMD gene that includes exon(s) 40 has been determined to be clinically significant (PMID: 20485447, 28116794). Therefore, deletions that encompass that region are likely to be disease-causing. This variant has not been reported in the literature in individuals affected with DMD-related conditions. This variant is a gross deletion of the genomic region encompassing exon(s) 39-42 of the DMD gene. This variant would be expected to be in-frame, preserving the integrity of the reading frame.

Literature cited by the submitters: PubMed 20485447; PubMed 28116794.

NC_000023.10:g.(?_32328179)_(32364217_?)del

Gene: DMD (dystrophin; minus strand). Cytogenetic location: Xp21.1.
Variant type: Deletion.
Identifiers: ClinVar variation 2424911 (VCV002424911.5).